The following is an entry in ClinVar:

ClinVar aggregate classification (germline): Uncertain significance (1 of 4 stars; one submission).

Allele frequency attached by ClinVar (database versions not stated): gnomAD exomes 0.00001.

Submission:

Labcorp Genetics (formerly Invitae), Labcorp
Classification: Uncertain significance. Last evaluated: 2023-12-06. Review status: criteria provided, single submitter. Criteria: Invitae Variant Classification Sherloc (09022015). Collection method: clinical testing. Allele origin: germline.
Comment: This sequence change replaces serine, which is neutral and polar, with phenylalanine, which is neutral and non-polar, at codon 685 of the PLAA protein (p.Ser685Phe). This variant is present in population databases (no rsID available, gnomAD 0.0009%). This variant has not been reported in the literature in individuals affected with PLAA-related conditions. ClinVar contains an entry for this variant (Variation ID: 1713858). Advanced modeling of protein sequence and biophysical properties (such as structural, functional, and spatial information, amino acid conservation, physicochemical variation, residue mobility, and thermodynamic stability) performed at Invitae indicates that this missense variant is expected to disrupt PLAA protein function with a positive predictive value of 80%. In summary, the available evidence is currently insufficient to determine the role of this variant in disease. Therefore, it has been classified as a Variant of Uncertain Significance.

NM_001031689.3(PLAA):c.2054C>T (p.Ser685Phe)

Gene: PLAA (phospholipase A2 activating protein; minus strand). Cytogenetic location: 9p21.2.
Variant type: single nucleotide variant.
Coding change: c.2054C>T on transcript NM_001031689.3 (MANE Select); coding-DNA position 2054, C replaced by T.
Protein change: p.Ser685Phe; replaces serine 685 with phenylalanine.
Molecular consequence: missense variant.
Genome position (GRCh38, 1-based): chr9:26,905,845, G>A on the plus strand (C>T on the coding strand, the complement: PLAA is on the minus strand). VCF-style: chr9-26905845-G-A. GRCh37 (hg19) VCF-style: chr9-26905843-G-A.
Other names: c.1985C>T, p.Ser662Phe (NM_001321546.2); short protein forms S662F, S685F.
Identifiers: ClinVar variation 1713858 (VCV001713858.5), dbSNP rs903474385, ClinGen allele CA191293085.